The following is an entry in ClinVar:

ClinVar aggregate classification (germline): Uncertain significance (1 of 4 stars; one submission).

Conditions:
Cowden syndrome (CS). Also called: Cowden's disease; Cowden's syndrome; Cowden disease. Identifiers: Orphanet 201, MedGen C0018553, MONDO:0016063. Disease mechanism: gain of function.

Allele frequency attached by ClinVar (database versions not stated): TOPMed below 0.00001; gnomAD exomes 0.00001.
gnomAD v4.1: 11 of 1,612,534 alleles (0.00068%); highest among the groups gnomAD compares: Non-Finnish European, 0.00093%; no homozygotes.

Submission:

Labcorp Genetics (formerly Invitae), Labcorp
Classification: Uncertain significance for Cowden syndrome. Last evaluated: 2022-12-30. Review status: criteria provided, single submitter. Criteria: Invitae Variant Classification Sherloc (09022015). Collection method: clinical testing. Allele origin: germline.
Comment: This sequence change replaces valine, which is neutral and non-polar, with methionine, which is neutral and non-polar, at codon 151 of the PIK3CA protein (p.Val151Met). This variant is not present in population databases (gnomAD no frequency). This variant has not been reported in the literature in individuals affected with PIK3CA-related conditions. Advanced modeling of protein sequence and biophysical properties (such as structural, functional, and spatial information, amino acid conservation, physicochemical variation, residue mobility, and thermodynamic stability) has been performed at Invitae for this missense variant, however the output from this modeling did not meet the statistical confidence thresholds required to predict the impact of this variant on PIK3CA protein function. In summary, the available evidence is currently insufficient to determine the role of this variant in disease. Therefore, it has been classified as a Variant of Uncertain Significance.

NM_006218.4(PIK3CA):c.451G>A (p.Val151Met)

Gene: PIK3CA (phosphatidylinositol-4,5-bisphosphate 3-kinase catalytic subunit alpha; plus strand). Cytogenetic location: 3q26.32.
Variant type: single nucleotide variant.
Coding change: c.451G>A on transcript NM_006218.4 (MANE Select); coding-DNA position 451, G replaced by A.
Protein change: p.Val151Met; replaces valine 151 with methionine.
Molecular consequence: missense variant.
Genome position (GRCh38, 1-based): chr3:179,199,788, G>A. VCF-style: chr3-179199788-G-A. GRCh37 (hg19) VCF-style: chr3-178917576-G-A.
Other names: short protein forms V151M.
Identifiers: ClinVar variation 2862274 (VCV002862274.3), dbSNP rs1433512757, ClinGen allele CA355273836.